The following is an entry in ClinVar:

NM_022460.4(HS1BP3):c.217G>A (p.Glu73Lys)

Gene: HS1BP3 (HCLS1 binding protein 3; minus strand). Cytogenetic location: 2p24.1.
Variant type: single nucleotide variant.
Coding change: c.217G>A on transcript NM_022460.4 (MANE Select); coding-DNA position 217, G replaced by A.
Protein change: p.Glu73Lys; replaces glutamic acid 73 with lysine.
Molecular consequence: missense variant.
Genome position (GRCh38, 1-based): chr2:20,641,162, C>T on the plus strand (G>A on the coding strand, the complement: HS1BP3 is on the minus strand). VCF-style: chr2-20641162-C-T. GRCh37 (hg19) VCF-style: chr2-20840922-C-T.
Other names: short protein forms E73K.
Identifiers: ClinVar variation 3898358 (VCV003898358.7).
Genomic context (GRCh38, chr2:20,641,162, plus strand): 5'-GTGGGGGGAGGCTGGCTGCTGCATAACGACTGCTCAGTTTCTGGTAAAACTCCTCAATCT[C>T]GCTGTACTTTTTGGAGACCTGGAATGAGAGGAGCATGTGGTTTCCTGAGTGAAGAGTGGC-3'
Protein context (NP_071905.3, residues 63-83): VQFLVSKKYS[Glu73Lys]IEEFYQKLSS

ClinVar aggregate classification (germline): Uncertain significance (1 of 4 stars; one submission).

gnomAD v4.1: 24 of 1,607,048 alleles (0.0015%); highest among the groups gnomAD compares: Non-Finnish European, 0.0019%; no homozygotes.

Submission:

CeGaT Center for Human Genetics Tuebingen
Classification: Uncertain significance. Last evaluated: 2025-04-01. Review status: criteria provided, single submitter. Criteria: CeGaT Center For Human Genetics Tuebingen Variant Classification Criteria Version 2. Collection method: clinical testing. Allele origin: germline. Affected: yes. Observed: 1 variant allele.
Comment: HS1BP3: PM2